The following is an entry in ClinVar:

NM_001303.4(COX10):c.249C>G (p.Phe83Leu)

Gene: COX10 (cytochrome c oxidase assembly factor heme A:farnesyltransferase COX10; plus strand). Cytogenetic location: 17p12.
Variant type: single nucleotide variant.
Coding change: c.249C>G on transcript NM_001303.4 (MANE Select); coding-DNA position 249, C replaced by G.
Protein change: p.Phe83Leu; replaces phenylalanine 83 with leucine.
Molecular consequence: missense variant.
Genome position (GRCh38, 1-based): chr17:14,076,806, C>G. VCF-style: chr17-14076806-C-G. GRCh37 (hg19) VCF-style: chr17-13980123-C-G.
Other names: short protein forms F83L.
Identifiers: ClinVar variation 2069002 (VCV002069002.5), dbSNP rs375765781, ClinGen allele CA8402281.

ClinVar aggregate classification (germline): Uncertain significance. Review status: criteria provided, multiple submitters, no conflicts (2 of 4 stars). 2 submissions from 2 submitters: Uncertain significance (2). Last evaluated 2025-06-12.

Conditions:
Inborn genetic diseases. Identifiers: MedGen C0950123, MeSH D030342.

Allele frequency attached by ClinVar (database versions not stated): ExAC 0.00010; 1000 Genomes Project 30x 0.00016; 1000 Genomes Project 0.00020; ESP Exome Variant Server 0.00023; gnomAD 0.00024; TOPMed 0.00025.
gnomAD v4.1: 50 of 1,614,112 alleles (0.0031%); highest among the groups gnomAD compares: African/African-American, 0.067%; no homozygotes.

Submissions (2):

Labcorp Genetics (formerly Invitae), Labcorp
Classification: Uncertain significance. Last evaluated: 2025-06-12. Review status: criteria provided, single submitter. Criteria: Invitae Variant Classification Sherloc (09022015). Collection method: clinical testing. Allele origin: germline.
Comment: This sequence change replaces phenylalanine, which is neutral and non-polar, with leucine, which is neutral and non-polar, at codon 83 of the COX10 protein (p.Phe83Leu). This variant is present in population databases (rs375765781, gnomAD 0.1%). This variant has not been reported in the literature in individuals affected with COX10-related conditions. ClinVar contains an entry for this variant (Variation ID: 2069002). An algorithm developed to predict the effect of missense changes on protein structure and function outputs the following: PolyPhen-2: "Benign". The leucine amino acid residue is found in multiple mammalian species, which suggests that this missense change does not adversely affect protein function. In summary, the available evidence is currently insufficient to determine the role of this variant in disease. Therefore, it has been classified as a Variant of Uncertain Significance.

Ambry Genetics
Classification: Uncertain significance for Inborn genetic diseases. Last evaluated: 2021-08-12. Review status: criteria provided, single submitter. Criteria: Ambry Variant Classification Scheme 2023. Collection method: clinical testing. Allele origin: germline.